The following is an entry in ClinVar:

Single allele

Genes: CBX7 (chromobox 7; minus strand), PDGFB (platelet derived growth factor subunit B; minus strand), RPL3 (ribosomal protein L3; minus strand), SNORD139 (small nucleolar RNA, C/D box 139; minus strand), SNORD83A (small nucleolar RNA, C/D box 83A; minus strand) and 1 more. Cytogenetic location: 22q13.1.
Variant type: Duplication.
Identifiers: ClinVar variation 560132 (VCV000560132.3).

ClinVar aggregate classification (germline): Uncertain significance (1 of 4 stars; one submission).

Submission:

Geisinger Autism and Developmental Medicine Institute, Geisinger Health System
Classification: Uncertain significance. Last evaluated: 2018-03-30. Review status: criteria provided, single submitter. Criteria: ACMG CNV Guidelines, 2011. Collection method: provider interpretation. Allele origin: paternal.
Comment: This duplication includes a portion of CBX7 and RPL3 genes, and the entirety of PDGFB. The clinical significance of a duplication of these genes is not currently known.